The following is an entry in ClinVar:

ClinVar aggregate classification (germline): Uncertain significance (1 of 4 stars; one submission).

Conditions:
Rhabdoid tumor predisposition syndrome 2 (RTPS2). Identifiers: Orphanet 231108, Orphanet 69077, MedGen C2750074, MONDO:0013224, OMIM 613325.

gnomAD v4.1: 1 of 1,613,946 alleles (0.000062%); highest among the groups gnomAD compares: Non-Finnish European, 0.000085%; no homozygotes.

Submission:

Labcorp Genetics (formerly Invitae), Labcorp
Classification: Uncertain significance for Rhabdoid tumor predisposition syndrome 2. Last evaluated: 2026-01-19. Review status: criteria provided, single submitter. Criteria: Invitae Variant Classification Sherloc (09022015). Collection method: clinical testing. Allele origin: germline.
Comment: This sequence change replaces leucine, which is neutral and non-polar, with phenylalanine, which is neutral and non-polar, at codon 1490 of the SMARCA4 protein (p.Leu1490Phe). This variant is not present in population databases (gnomAD no frequency). This variant has not been reported in the literature in individuals affected with SMARCA4-related conditions. ClinVar contains an entry for this variant (Variation ID: 1447459). Invitae Evidence Modeling of protein sequence and biophysical properties (such as structural, functional, and spatial information, amino acid conservation, physicochemical variation, residue mobility, and thermodynamic stability) indicates that this missense variant is expected to disrupt SMARCA4 protein function with a positive predictive value of 80%. In summary, the available evidence is currently insufficient to determine the role of this variant in disease. Therefore, it has been classified as a Variant of Uncertain Significance.

NM_003072.5(SMARCA4):c.4372C>T (p.Leu1458Phe)

Gene: SMARCA4 (SWI/SNF related BAF chromatin remodeling complex subunit ATPase 4; plus strand). Cytogenetic location: 19p13.2.
Variant type: single nucleotide variant.
Coding change: c.4372C>T on transcript NM_003072.5 (MANE Select); coding-DNA position 4372, C replaced by T.
Protein change: p.Leu1458Phe; replaces leucine 1458 with phenylalanine.
Molecular consequence: missense variant. On other transcripts: non-coding transcript variant (1).
Genome position (GRCh38, 1-based): chr19:11,041,508, C>T. VCF-style: chr19-11041508-C-T. GRCh37 (hg19) VCF-style: chr19-11152184-C-T.
Other names: c.4372C>T, p.Leu1458Phe (NM_001128844.3); c.4282C>T, p.Leu1428Phe (NM_001128845.2, NM_001128846.2); c.4273C>T, p.Leu1425Phe (NM_001128847.4, NM_001128848.2, NM_001374457.1); c.4468C>T, p.Leu1490Phe (NM_001128849.3, NM_001387283.1); short protein forms L1425F, L1428F, L1458F, L1490F.
Identifiers: ClinVar variation 1447459 (VCV001447459.6), dbSNP rs1600469027, ClinGen allele CA404074032.